The following is an entry in ClinVar:

NM_177924.5(ASAH1):c.967C>T (p.Arg323Cys)

Gene: ASAH1 (N-acylsphingosine amidohydrolase 1; minus strand). Cytogenetic location: 8p22.
Variant type: single nucleotide variant.
Coding change: c.967C>T on transcript NM_177924.5 (MANE Select); coding-DNA position 967, C replaced by T.
Protein change: p.Arg323Cys; replaces arginine 323 with cysteine.
Molecular consequence: missense variant.
Genome position (GRCh38, 1-based): chr8:18,059,415, G>A on the plus strand (C>T on the coding strand, the complement: ASAH1 is on the minus strand). VCF-style: chr8-18059415-G-A. GRCh37 (hg19) VCF-style: chr8-17916924-G-A.
Other names: c.949C>T, p.Arg317Cys (NM_001127505.3); c.772C>T, p.Arg258Cys (NM_001363743.2); c.1015C>T, p.Arg339Cys (NM_004315.6); short protein forms R339C, R323C, R317C, R258C.
Identifiers: ClinVar variation 908493 (VCV000908493.8), dbSNP rs147830297, ClinGen allele CA4650610.

ClinVar aggregate classification (germline): Uncertain significance. Review status: criteria provided, multiple submitters, no conflicts (2 of 4 stars). 4 submissions from 4 submitters: Uncertain significance (4). Last evaluated 2025-01-26.

Conditions:
Farber lipogranulomatosis (FRBRL). Also called: Farber's disease; Farber disease; AC DEFICIENCY; ACID CERAMIDASE DEFICIENCY; CERAMIDASE DEFICIENCY; N-LAURYLSPHINGOSINE DEACYLASE DEFICIENCY. Identifiers: Orphanet 333, MedGen C0268255, MONDO:0009218, OMIM 228000.

Allele frequency attached by ClinVar (database versions not stated): TOPMed 0.00002; 1000 Genomes Project 0.00020; ExAC 0.00005; ESP Exome Variant Server 0.00015; 1000 Genomes Project 30x 0.00016.
gnomAD v4.1: 33 of 1,614,136 alleles (0.002%); highest among the groups gnomAD compares: African/African-American, 0.015%; no homozygotes.

Submissions (4):

GeneDx
Classification: Uncertain significance. Last evaluated: 2025-01-26. Review status: criteria provided, single submitter. Criteria: GeneDx Variant Classification Process June 2021. Collection method: clinical testing. Allele origin: germline. Affected: yes.
Comment: Not observed at significant frequency in large population cohorts (gnomAD); In silico analysis supports that this missense variant has a deleterious effect on protein structure/function; Has not been previously published as pathogenic or benign to our knowledge

Blueprint Genetics
Classification: Uncertain significance. Last evaluated: 2022-09-13. Review status: criteria provided, single submitter. Criteria: ACMG Guidelines, 2015. Collection method: clinical testing. Allele origin: germline.

Labcorp Genetics (formerly Invitae), Labcorp
Classification: Uncertain significance. Last evaluated: 2022-08-13. Review status: criteria provided, single submitter. Criteria: Invitae Variant Classification Sherloc (09022015). Collection method: clinical testing. Allele origin: germline.
Comment: This sequence change replaces arginine, which is basic and polar, with cysteine, which is neutral and slightly polar, at codon 323 of the ASAH1 protein (p.Arg323Cys). This variant is present in population databases (rs147830297, gnomAD 0.01%). This variant has not been reported in the literature in individuals affected with ASAH1-related conditions. ClinVar contains an entry for this variant (Variation ID: 908493). Algorithms developed to predict the effect of missense changes on protein structure and function (SIFT, PolyPhen-2, Align-GVGD) all suggest that this variant is likely to be disruptive. In summary, the available evidence is currently insufficient to determine the role of this variant in disease. Therefore, it has been classified as a Variant of Uncertain Significance.

Illumina Laboratory Services, Illumina
Classification: Uncertain significance for Farber lipogranulomatosis. Last evaluated: 2018-01-13. Review status: criteria provided, single submitter. Criteria: ICSL Variant Classification Criteria 13 December 2019. Collection method: clinical testing. Allele origin: germline.